The following is an entry in ClinVar:

NM_001199138.2(NLRC4):c.1918C>T (p.Pro640Ser)

Gene: NLRC4 (NLR family CARD domain containing 4; minus strand). Cytogenetic location: 2p22.3.
Variant type: single nucleotide variant.
Coding change: c.1918C>T on transcript NM_001199138.2 (MANE Select); coding-DNA position 1918, C replaced by T.
Protein change: p.Pro640Ser; replaces proline 640 with serine.
Molecular consequence: missense variant. On other transcripts: intron variant (1).
Genome position (GRCh38, 1-based): chr2:32,249,946, G>A on the plus strand (C>T on the coding strand, the complement: NLRC4 is on the minus strand). VCF-style: chr2-32249946-G-A. GRCh37 (hg19) VCF-style: chr2-32475015-G-A.
Other names: c.1918C>T, p.Pro640Ser (NM_021209.5, NM_001199139.2); c.262+2473C>T (NM_001302504.1); short protein forms P640S.
Identifiers: ClinVar variation 1052593 (VCV001052593.9), dbSNP rs1687028070, ClinGen allele CA346511410.

ClinVar aggregate classification (germline): Uncertain significance (1 of 4 stars; one submission).

Conditions:
Familial cold autoinflammatory syndrome 4 (FCAS4). Identifiers: Orphanet 47045, Orphanet 576349, MedGen C4015276, MONDO:0014498, OMIM 616115.
Periodic fever-infantile enterocolitis-autoinflammatory syndrome. Also called: Autoinflammation with infantile enterocolitis. Identifiers: Orphanet 436166, MedGen C4015067, MONDO:0014472, OMIM 616050.

Allele frequency attached by ClinVar (database versions not stated): TOPMed below 0.00001; gnomAD exomes 0.00001.
gnomAD v4.1: 18 of 1,614,148 alleles (0.0011%); highest among the groups gnomAD compares: Non-Finnish European, 0.0014%; no homozygotes.

Submission:

Labcorp Genetics (formerly Invitae), Labcorp
Classification: Uncertain significance for Periodic fever-infantile enterocolitis-autoinflammatory syndrome; Familial cold autoinflammatory syndrome 4. Last evaluated: 2024-11-19. Review status: criteria provided, single submitter. Criteria: Invitae Variant Classification Sherloc (09022015). Collection method: clinical testing. Allele origin: germline.
Comment: This sequence change replaces proline, which is neutral and non-polar, with serine, which is neutral and polar, at codon 640 of the NLRC4 protein (p.Pro640Ser). This variant is not present in population databases (gnomAD no frequency). This variant has not been reported in the literature in individuals affected with NLRC4-related conditions. ClinVar contains an entry for this variant (Variation ID: 1052593). Invitae Evidence Modeling of protein sequence and biophysical properties (such as structural, functional, and spatial information, amino acid conservation, physicochemical variation, residue mobility, and thermodynamic stability) indicates that this missense variant is not expected to disrupt NLRC4 protein function with a negative predictive value of 80%. In summary, the available evidence is currently insufficient to determine the role of this variant in disease. Therefore, it has been classified as a Variant of Uncertain Significance.